The following is an entry in ClinVar:

ClinVar aggregate classification (germline): Uncertain significance (1 of 4 stars; one submission).

Conditions:
Proteosome-associated autoinflammatory syndrome. Also called: Proteasome-associated autoinflammatory syndrome. Identifiers: Orphanet 324977, MedGen C1850568, MONDO:0009726.

Submission:

Labcorp Genetics (formerly Invitae), Labcorp
Classification: Uncertain significance for Proteosome-associated autoinflammatory syndrome. Last evaluated: 2022-02-12. Review status: criteria provided, single submitter. Criteria: Invitae Variant Classification Sherloc (09022015). Collection method: clinical testing. Allele origin: germline.
Comment: In summary, the available evidence is currently insufficient to determine the role of this variant in disease. Therefore, it has been classified as a Variant of Uncertain Significance. Algorithms developed to predict the effect of missense changes on protein structure and function (SIFT, PolyPhen-2, Align-GVGD) all suggest that this variant is likely to be tolerated. This variant has not been reported in the literature in individuals affected with PSMB8-related conditions. This variant is not present in population databases (gnomAD no frequency). This sequence change replaces glycine, which is neutral and non-polar, with arginine, which is basic and polar, at codon 47 of the PSMB8 protein (p.Gly47Arg).

NM_148919.4(PSMB8):c.139G>A (p.Gly47Arg)

Gene: PSMB8 (proteasome 20S subunit beta 8; minus strand). Cytogenetic location: 6p21.32.
Variant type: single nucleotide variant.
Coding change: c.139G>A on transcript NM_148919.4 (MANE Select); coding-DNA position 139, G replaced by A.
Protein change: p.Gly47Arg; replaces glycine 47 with arginine.
Molecular consequence: missense variant. On other transcripts: intron variant (1).
Genome position (GRCh38, 1-based): chr6:32,843,858, C>T on the plus strand (G>A on the coding strand, the complement: PSMB8 is on the minus strand). VCF-style: chr6-32843858-C-T. GRCh37 (hg19) VCF-style: chr6-32811635-C-T.
Other names: c.135+421G>A (NM_004159.5); short protein forms G47R.
Identifiers: ClinVar variation 2097140 (VCV002097140.3), dbSNP rs999945369, ClinGen allele CA137009929.